The following is an entry in ClinVar:

ClinVar aggregate classification (germline): Conflicting classifications of pathogenicity. Review status: criteria provided, conflicting classifications (1 of 4 stars). 5 submissions from 5 submitters: Likely pathogenic (1); Uncertain significance (4). Last evaluated 2026-01-17.

Conditions:
Inborn genetic diseases. Identifiers: MedGen C0950123, MeSH D030342.
Spastic ataxia. Identifiers: Orphanet 316226, MedGen C1849156, MONDO:0017845, HP:0002497.

Allele frequency attached by ClinVar (database versions not stated): gnomAD 0.00003 and 0.00004; TOPMed 0.00005; ESP Exome Variant Server 0.00008.
gnomAD v4.1: 94 of 1,612,232 alleles (0.0058%); highest among the groups gnomAD compares: Non-Finnish European, 0.0075%; no homozygotes.

Submissions (5):

Labcorp Genetics (formerly Invitae), Labcorp
Classification: Uncertain significance. Last evaluated: 2026-01-17. Review status: criteria provided, single submitter. Criteria: Invitae Variant Classification Sherloc (09022015). Collection method: clinical testing. Allele origin: germline.
Comment: This sequence change replaces alanine, which is neutral and non-polar, with valine, which is neutral and non-polar, at codon 844 of the WFS1 protein (p.Ala844Val). This variant is present in population databases (rs200192011, gnomAD 0.005%). This missense change has been observed in individual(s) with WFS1-related conditions (PMID: 33046911, 34445196). ClinVar contains an entry for this variant (Variation ID: 666957). Invitae Evidence Modeling of protein sequence and biophysical properties (such as structural, functional, and spatial information, amino acid conservation, physicochemical variation, residue mobility, and thermodynamic stability) indicates that this missense variant is expected to disrupt WFS1 protein function with a positive predictive value of 80%. This variant disrupts the p.Ala844 amino acid residue in WFS1. Other variant(s) that disrupt this residue have been determined to be pathogenic (PMID: 16353398, 36225977). This suggests that this residue is clinically significant, and that variants that disrupt this residue are likely to be disease-causing. In summary, the available evidence is currently insufficient to determine the role of this variant in disease. Therefore, it has been classified as a Variant of Uncertain Significance.

Blueprint Genetics
Classification: Uncertain significance. Last evaluated: 2024-05-22. Review status: criteria provided, single submitter. Criteria: ACMG Guidelines, 2015. Collection method: clinical testing. Allele origin: germline.

Ambry Genetics
Classification: Uncertain significance for Inborn genetic diseases. Last evaluated: 2024-04-23. Review status: criteria provided, single submitter. Criteria: Ambry Variant Classification Scheme 2023. Collection method: clinical testing. Allele origin: germline.

Molecular Medicine for Neurodegenerative and Neuromuscular Diseases Unit, IRCCS Fondazione Stella Maris
Classification: Likely pathogenic for Spastic ataxia. Last evaluated: 2021-07-12. Review status: criteria provided, single submitter. Criteria: ACMG Guidelines, 2015. Collection method: research. Allele origin: unknown. Affected: yes.

Laboratory for Molecular Medicine, Mass General Brigham Personalized Medicine
Classification: Uncertain significance. Last evaluated: 2019-02-12. Review status: criteria provided, single submitter. Criteria: LMM Criteria. Collection method: clinical testing. Allele origin: germline. Observed: 1 variant allele.
Comment: The p.Ala844Val variant in WFS1 has not been previously reported in individuals with hearing loss but has been identified in 0.005% (6/112120) of European chromosomes by gnomAD. Computational prediction tools and conservation analysis suggest that this variant may impact the protein, though this information is not predictive enough to determine pathogenicity. In summary, the clinical significance of this variant is uncertain. ACMG/AMP Criteria applied: PM2, PP3.

Literature cited by the submitters: PubMed 33046911 (cited by Labcorp Genetics (formerly Invitae), Labcorp); PubMed 34445196 (cited by Labcorp Genetics (formerly Invitae), Labcorp); PubMed 16353398 (cited by Labcorp Genetics (formerly Invitae), Labcorp); PubMed 36225977 (cited by Labcorp Genetics (formerly Invitae), Labcorp).

NM_006005.3(WFS1):c.2531C>T (p.Ala844Val)

Gene: WFS1 (wolframin ER transmembrane glycoprotein; plus strand). Cytogenetic location: 4p16.1.
Variant type: single nucleotide variant.
Coding change: c.2531C>T on transcript NM_006005.3 (MANE Select); coding-DNA position 2531, C replaced by T.
Protein change: p.Ala844Val; replaces alanine 844 with valine.
Molecular consequence: missense variant.
Genome position (GRCh38, 1-based): chr4:6,302,326, C>T. VCF-style: chr4-6302326-C-T. GRCh37 (hg19) VCF-style: chr4-6304053-C-T.
Other names: c.2531C>T, p.Ala844Val (NM_001145853.1); short protein forms A844V.
Identifiers: ClinVar variation 666957 (VCV000666957.15), dbSNP rs200192011, ClinGen allele CA2839764.